The following is an entry in ClinVar:

NM_006343.3(MERTK):c.2203A>G (p.Met735Val)

Gene: MERTK (MER proto-oncogene, tyrosine kinase; plus strand). Cytogenetic location: 2q13.
Variant type: single nucleotide variant.
Coding change: c.2203A>G on transcript NM_006343.3 (MANE Select); coding-DNA position 2203, A replaced by G.
Protein change: p.Met735Val; replaces methionine 735 with valine.
Molecular consequence: missense variant.
Genome position (GRCh38, 1-based): chr2:112,021,435, A>G. VCF-style: chr2-112021435-A-G. GRCh37 (hg19) VCF-style: chr2-112779012-A-G.
Other names: short protein forms M735V.
Identifiers: ClinVar variation 2092939 (VCV002092939.4), dbSNP rs1677346368, ClinGen allele CA348238704.

ClinVar aggregate classification (germline): Uncertain significance (1 of 4 stars; one submission).

Allele frequency attached by ClinVar (database versions not stated): TOPMed below 0.00001.
gnomAD v4.1: 1 of 1,613,426 alleles (0.000062%); no homozygotes.

Submission:

Labcorp Genetics (formerly Invitae), Labcorp
Classification: Uncertain significance. Last evaluated: 2022-06-10. Review status: criteria provided, single submitter. Criteria: Invitae Variant Classification Sherloc (09022015). Collection method: clinical testing. Allele origin: germline.
Comment: This variant has not been reported in the literature in individuals affected with MERTK-related conditions. In summary, the available evidence is currently insufficient to determine the role of this variant in disease. Therefore, it has been classified as a Variant of Uncertain Significance. Algorithms developed to predict the effect of sequence changes on RNA splicing suggest that this variant may create or strengthen a splice site. Algorithms developed to predict the effect of missense changes on protein structure and function are either unavailable or do not agree on the potential impact of this missense change (SIFT: "Deleterious"; PolyPhen-2: "Probably Damaging"; Align-GVGD: "Class C15"). This variant is not present in population databases (gnomAD no frequency). This sequence change replaces methionine, which is neutral and non-polar, with valine, which is neutral and non-polar, at codon 735 of the MERTK protein (p.Met735Val).